The following is an entry in ClinVar:

NM_000096.4(CP):c.1648T>A (p.Phe550Ile)

Gene: CP (ceruloplasmin; minus strand). Cytogenetic location: 3q24.
Variant type: single nucleotide variant.
Coding change: c.1648T>A on transcript NM_000096.4 (MANE Select); coding-DNA position 1648, T replaced by A.
Protein change: p.Phe550Ile; replaces phenylalanine 550 with isoleucine.
Molecular consequence: missense variant. On other transcripts: non-coding transcript variant (1).
Genome position (GRCh38, 1-based): chr3:149,198,432, A>T on the plus strand (T>A on the coding strand, the complement: CP is on the minus strand). VCF-style: chr3-149198432-A-T. GRCh37 (hg19) VCF-style: chr3-148916219-A-T.
Other names: short protein forms F550I.
Identifiers: ClinVar variation 2130664 (VCV002130664.4), dbSNP rs2472808680, ClinGen allele CA354907245.
Genomic context (GRCh38, chr3:149,198,432, plus strand): 5'-TCCCATTTGCATGTAAACTTCCTTTCTTGCATATTTTCATTGGCCCAATAAGCCCAGTGA[A>T]TATATCTTTAGTGGGTTCCACAGCAGAATAATACATCTTAGCTAGACACACAGGATCTGC-3'
Protein context (NP_000087.2, residues 540-560): YSAVEPTKDI[Phe550Ile]TGLIGPMKIC

ClinVar aggregate classification (germline): Uncertain significance (1 of 4 stars; one submission).

Conditions:
Deficiency of ferroxidase (ACEP). Also called: Deficiency of ceruloplasmin; Aceruloplasminemia; NEURODEGENERATION WITH BRAIN IRON ACCUMULATION 10; Ceruloplasmin deficiency; Familial apoceruloplasmin deficiency; Hereditary ceruloplasmin deficiency. Identifiers: Orphanet 48818, MedGen C0878682, MONDO:0011426, OMIM 604290, HP:0025498.

Submission:

Labcorp Genetics (formerly Invitae), Labcorp
Classification: Uncertain significance for Deficiency of ferroxidase. Last evaluated: 2023-07-21. Review status: criteria provided, single submitter. Criteria: Invitae Variant Classification Sherloc (09022015). Collection method: clinical testing. Allele origin: germline.
Comment: This variant is not present in population databases (gnomAD no frequency). This variant has not been reported in the literature in individuals affected with CP-related conditions. ClinVar contains an entry for this variant (Variation ID: 2130664). Advanced modeling of protein sequence and biophysical properties (such as structural, functional, and spatial information, amino acid conservation, physicochemical variation, residue mobility, and thermodynamic stability) performed at Invitae indicates that this missense variant is not expected to disrupt CP protein function. In summary, the available evidence is currently insufficient to determine the role of this variant in disease. Therefore, it has been classified as a Variant of Uncertain Significance. This sequence change replaces phenylalanine, which is neutral and non-polar, with isoleucine, which is neutral and non-polar, at codon 550 of the CP protein (p.Phe550Ile).